The following is an entry in ClinVar:

NM_080860.4(RSPH1):c.412G>A (p.Val138Ile)

Gene: RSPH1 (radial spoke head component 1; minus strand). Cytogenetic location: 21q22.3.
Variant type: single nucleotide variant.
Coding change: c.412G>A on transcript NM_080860.4 (MANE Select); coding-DNA position 412, G replaced by A.
Protein change: p.Val138Ile; replaces valine 138 with isoleucine.
Molecular consequence: missense variant.
Genome position (GRCh38, 1-based): chr21:42,485,758, C>T on the plus strand (G>A on the coding strand, the complement: RSPH1 is on the minus strand). VCF-style: chr21-42485758-C-T. GRCh37 (hg19) VCF-style: chr21-43905868-C-T.
Other names: c.412G>A (NM_080860.2); c.298G>A, p.Val100Ile (NM_001286506.2); short protein forms V138I, V100I.
Identifiers: ClinVar variation 2193967 (VCV002193967.4), dbSNP rs747184332, ClinGen allele CA10043942.
Genomic context (GRCh38, chr21:42,485,758, plus strand): 5'-TGTGGTTCAGGTGAATGAGCTCGGCCGTGCCCTCCTGCTGTCCGTTCACCCAGGTGCCAA[C>T]ATACTTACTGCCCGTCTCCGCGTATAAATAGGTGCCTTGCCCATGCCTGGTTAAGACAAG-3'
Protein context (NP_543136.1, residues 128-148): YLYAETGSKY[Val138Ile]GTWVNGQQEG

ClinVar aggregate classification (germline): Uncertain significance. Review status: criteria provided, multiple submitters, no conflicts (2 of 4 stars). 2 submissions from 2 submitters: Uncertain significance (2). Last evaluated 2025-10-28.

Conditions:
Primary ciliary dyskinesia. Also called: Ciliary dyskinesia. Identifiers: Orphanet 244, MedGen C0008780, MONDO:0016575, HP:0012265.
Inborn genetic diseases. Identifiers: MedGen C0950123, MeSH D030342.

Allele frequency attached by ClinVar (database versions not stated): ExAC 0.00001.

Submissions (2):

Ambry Genetics
Classification: Uncertain significance for Inborn genetic diseases. Last evaluated: 2025-10-28. Review status: criteria provided, single submitter. Criteria: Ambry Variant Classification Scheme 2023. Collection method: clinical testing. Allele origin: germline.

Labcorp Genetics (formerly Invitae), Labcorp
Classification: Uncertain significance for Primary ciliary dyskinesia. Last evaluated: 2022-09-07. Review status: criteria provided, single submitter. Criteria: Invitae Variant Classification Sherloc (09022015). Collection method: clinical testing. Allele origin: germline.
Comment: This sequence change replaces valine, which is neutral and non-polar, with isoleucine, which is neutral and non-polar, at codon 138 of the RSPH1 protein (p.Val138Ile). This variant is present in population databases (rs747184332, gnomAD 0.0009%). This variant has not been reported in the literature in individuals affected with RSPH1-related conditions. Algorithms developed to predict the effect of missense changes on protein structure and function output the following: SIFT: "Tolerated"; PolyPhen-2: "Benign"; Align-GVGD: "Class C0". The isoleucine amino acid residue is found in multiple mammalian species, which suggests that this missense change does not adversely affect protein function. In summary, the available evidence is currently insufficient to determine the role of this variant in disease. Therefore, it has been classified as a Variant of Uncertain Significance.